The following is an entry in ClinVar:

ClinVar aggregate classification (germline): Pathogenic (1 of 4 stars; one submission).

Conditions:
Hereditary spastic paraplegia 30. Identifiers: Orphanet 101010, MedGen C5235139, MONDO:0012476.
Neuropathy, hereditary sensory, type 2C. Also called: KIF1A-Related HSAN2 (HSAN2C); Hereditary sensory and autonomic neuropathy type IIC. Identifiers: Orphanet 970, MedGen C3280168, MONDO:0013634, OMIM 614213.
Intellectual disability, autosomal dominant 9 (NESCAVS). Also called: KIF1A-Related Neurodevelopmental Disorder; NESCAV SYNDROME. Identifiers: Orphanet 662367, MedGen C5393830, MONDO:0013656, OMIM 614255.

Submission:

Labcorp Genetics (formerly Invitae), Labcorp
Classification: Pathogenic for Hereditary spastic paraplegia 30; Neuropathy, hereditary sensory, type 2C; Intellectual disability, autosomal dominant 9. Last evaluated: 2024-03-07. Review status: criteria provided, single submitter. Criteria: Invitae Variant Classification Sherloc (09022015). Collection method: clinical testing. Allele origin: germline.
Comment: This sequence change creates a premature translational stop signal (p.Gln748Leufs*83) in the KIF1A gene. It is expected to result in an absent or disrupted protein product. Loss-of-function variants in KIF1A are known to be pathogenic (PMID: 21820098). This variant is not present in population databases (gnomAD no frequency). This variant has not been reported in the literature in individuals affected with KIF1A-related conditions. ClinVar contains an entry for this variant (Variation ID: 1456633). For these reasons, this variant has been classified as Pathogenic.

Literature cited by the submitters: PubMed 21820098.

NM_001244008.2(KIF1A):c.2270_2271del (p.Gln757fs)

Gene: KIF1A (kinesin family member 1A; minus strand). Cytogenetic location: 2q37.3.
Variant type: Deletion.
Coding change: c.2270_2271del on transcript NM_001244008.2 (MANE Select); coding-DNA positions 2270 to 2271, 2 bases deleted (AA; older notation c.2270_2271delAA).
Protein change: p.Gln757fs; shifts the reading frame from glutamine 757.
Molecular consequence: frameshift variant.
Genome position (GRCh38, 1-based): chr2:240,760,838-240,760,839, TT deleted on the plus strand (AA on the coding strand, the reverse complement: KIF1A is on the minus strand). VCF-style (leftmost placement, unchanged base first): chr2-240760837-ATT-A. GRCh37 (hg19) VCF-style: chr2-241700254-ATT-A.
Other names: c.2270_2271del, p.Gln757fs (NM_001320705.2, NM_001330289.2, NM_001379638.1); c.2345_2346del, p.Gln782fs (NM_001330290.2, NM_001379631.1, NM_001379634.1 and 2 more transcripts); c.2243_2244del, p.Gln748fs (NM_001379632.1, NM_001379633.1, NM_001379636.1 and 10 more transcripts); c.2318_2319del, p.Gln773fs (NM_001379637.1, NM_001379648.1); short protein forms Q773fs, Q757fs, Q748fs, Q782fs.
Identifiers: ClinVar variation 1456633 (VCV001456633.6), dbSNP rs2125890780, ClinGen allele CA2573135616.